The following is an entry in ClinVar:

NM_000574.5(CD55):c.648G>A (p.Pro216=)

Gene: CD55 (CD55 molecule (Cromer blood group); plus strand). Cytogenetic location: 1q32.2.
Variant type: single nucleotide variant.
Coding change: c.648G>A on transcript NM_000574.5 (MANE Select); coding-DNA position 648, G replaced by A.
Protein change: p.Pro216=; no amino-acid change (proline 216 retained).
Molecular consequence: synonymous variant. On other transcripts: non-coding transcript variant (1).
Genome position (GRCh38, 1-based): chr1:207,326,821, G>A. VCF-style: chr1-207326821-G-A. GRCh37 (hg19) VCF-style: chr1-207500166-G-A.
Other names: c.648G>A, p.Pro216= (NM_001114752.3, NM_001300902.2, NM_001300903.2 and 1 more transcripts); c.648G>A (NM_000574.4).
Identifiers: ClinVar variation 1562561 (VCV001562561.11), dbSNP rs146687590, ClinGen allele CA1368054.

ClinVar aggregate classification (germline): Likely benign. Review status: criteria provided, multiple submitters, no conflicts (2 of 4 stars). 3 submissions from 3 submitters: Likely benign (2). 1 of the submissions does not count toward it. Last evaluated 2026-01-25.

Conditions:
CD55-related disorder. Also called: CD55-related condition.

Allele frequency attached by ClinVar (database versions not stated): ExAC 0.00011; gnomAD exomes 0.00011 and 0.00017; gnomAD 0.00015 and 0.00016; TOPMed 0.00020; ESP Exome Variant Server 0.00023.
gnomAD v4.1: 262 of 1,612,934 alleles (0.016%); highest among the groups gnomAD compares: African/African-American, 0.027%; no homozygotes.

Submissions (3):

Labcorp Genetics (formerly Invitae), Labcorp
Classification: Likely benign. Last evaluated: 2026-01-25. Review status: criteria provided, single submitter. Criteria: Invitae Variant Classification Sherloc (09022015). Collection method: clinical testing. Allele origin: germline.

Blueprint Genetics
Classification: Likely benign. Last evaluated: 2024-11-05. Review status: criteria provided, single submitter. Criteria: ACMG Guidelines, 2015. Collection method: clinical testing. Allele origin: germline.

PreventionGenetics, part of Exact Sciences
Classification: Likely benign for CD55-related condition. Last evaluated: 2019-09-05. Review status: no assertion criteria provided. Collection method: clinical testing. Allele origin: germline. Not counted in ClinVar's aggregate classification.
Comment: This variant is classified as likely benign based on ACMG/AMP sequence variant interpretation guidelines (Richards et al. 2015 PMID: 25741868, with internal and published modifications).